The following is an entry in ClinVar:

ClinVar aggregate classification (germline): Uncertain significance. Review status: criteria provided, multiple submitters, no conflicts (2 of 4 stars). 4 submissions from 4 submitters: Uncertain significance (3). 1 of the submissions does not count toward it. Last evaluated 2024-12-17.

Conditions:
Dyskeratosis congenita, autosomal dominant 2. Identifiers: MedGen C3151443, MONDO:0013521, OMIM 613989.
Idiopathic Pulmonary Fibrosis. Also called: Idiopathic fibrosing alveolitis, chronic form; idiopathic fibrosing alveolitis. Identifiers: Orphanet 2032, MedGen C1800706, MeSH D054990, MONDO:0800504.
Dyskeratosis congenita. Identifiers: Orphanet 1775, MedGen C0265965, MONDO:0015780.

Allele frequency attached by ClinVar (database versions not stated): gnomAD exomes below 0.00001 and 0.00001; gnomAD 0.00002; TOPMed 0.00003.
gnomAD v4.1: 6 of 1,593,006 alleles (0.00038%); highest among the groups gnomAD compares: African/African-American, 0.008%; no homozygotes.

Submissions (4):

Ambry Genetics
Classification: Uncertain significance for Dyskeratosis congenita. Last evaluated: 2024-12-17. Review status: criteria provided, single submitter. Criteria: Ambry Variant Classification Scheme 2023. Collection method: clinical testing. Allele origin: germline.
Comment: The p.V207I variant (also known as c.619G>A), located in coding exon 2 of the TERT gene, results from a G to A substitution at nucleotide position 619. The valine at codon 207 is replaced by isoleucine, an amino acid with highly similar properties. This amino acid position is poorly conserved in available vertebrate species. In addition, this alteration is predicted to be tolerated by in silico analysis. The evidence for this gene-disease relationship is limited; therefore, the clinical significance of this alteration is unclear.

GeneDx
Classification: Uncertain significance. Last evaluated: 2024-02-16. Review status: criteria provided, single submitter. Criteria: GeneDx Variant Classification Process June 2021. Collection method: clinical testing. Allele origin: germline. Affected: yes.
Comment: In silico analysis supports that this missense variant does not alter protein structure/function; Observed in an individual with myelodysplastic syndrome (MDS) (PMID: 30523342); This variant is associated with the following publications: (PMID: 30523342)

Labcorp Genetics (formerly Invitae), Labcorp
Classification: Uncertain significance for Dyskeratosis congenita, autosomal dominant 2; Idiopathic Pulmonary Fibrosis. Last evaluated: 2022-10-17. Review status: criteria provided, single submitter. Criteria: Invitae Variant Classification Sherloc (09022015). Collection method: clinical testing. Allele origin: germline.
Comment: This sequence change replaces valine, which is neutral and non-polar, with isoleucine, which is neutral and non-polar, at codon 207 of the TERT protein (p.Val207Ile). The frequency data for this variant in the population databases is considered unreliable, as metrics indicate poor data quality at this position in the gnomAD database. This missense change has been observed in individual(s) with myelodysplastic syndrome (PMID: 30523342). ClinVar contains an entry for this variant (Variation ID: 471898). Algorithms developed to predict the effect of missense changes on protein structure and function (SIFT, PolyPhen-2, Align-GVGD) all suggest that this variant is likely to be tolerated. In summary, the available evidence is currently insufficient to determine the role of this variant in disease. Therefore, it has been classified as a Variant of Uncertain Significance.

Genetic Services Laboratory, University of Chicago
Classification: Uncertain significance. Last evaluated: 2022-05-09. Review status: no assertion criteria provided. Collection method: clinical testing. Allele origin: germline. Affected: no. Not counted in ClinVar's aggregate classification.
Comment: DNA sequence analysis of the TERT gene demonstrated a sequence change, c.619G>A, in exon 2 that results in an amino acid change, p.Val207Ile. This sequence change has been previously described in an individual with myelodysplastic syndrome with normal telomeres (PMID: 30523342). This sequence change has been described in the gnomAD database in two individuals which corresponds to a population frequency of 0.017% (dbSNP rs943176303). The p.Val207Ile change affects a poorly conserved amino acid residue located in a domain of the TERT protein that is not known to be functional. The p.Val207Ile substitution appears to be benign using several in-silico pathogenicity prediction tools (SIFT, PolyPhen2, Align GVGD, REVEL). Due to insufficient evidences and the lack of functional studies, the clinical significance of the p.Val207Ile change remains unknown at this time.

Literature cited by the submitters: PubMed 30523342 (cited by Labcorp Genetics (formerly Invitae), Labcorp).

NM_198253.3(TERT):c.619G>A (p.Val207Ile)

Gene: TERT (telomerase reverse transcriptase; minus strand). Cytogenetic location: 5p15.33.
Variant type: single nucleotide variant.
Coding change: c.619G>A on transcript NM_198253.3 (MANE Select); coding-DNA position 619, G replaced by A.
Protein change: p.Val207Ile; replaces valine 207 with isoleucine.
Molecular consequence: missense variant. On other transcripts: non-coding transcript variant (2).
Genome position (GRCh38, 1-based): chr5:1,294,267, C>T on the plus strand (G>A on the coding strand, the complement: TERT is on the minus strand). VCF-style: chr5-1294267-C-T. GRCh37 (hg19) VCF-style: chr5-1294382-C-T.
Other names: c.619G>A, p.Val207Ile (NM_001193376.3); short protein forms V207I.
Identifiers: ClinVar variation 471898 (VCV000471898.14), dbSNP rs943176303, ClinGen allele CA112915163.
Genomic context (GRCh38, chr5:1,294,267, plus strand): 5'-TGCCCCCGCGCCTCCTCGCACCCGGGGCTGGCAGGCCCAGGGGGACCCCGGCCTCCCTGA[C>T]GCTATGGTTCCAGGCCCGTTCGCATCCCAGACGCCTTCGGGGTCCACTAGCGTGTGGCGG-3'
Protein context (NP_937983.2, residues 197-217): LGCERAWNHS[Val207Ile]REAGVPLGLP